The following is an entry in ClinVar:

ClinVar aggregate classification (germline): Uncertain significance (1 of 4 stars; one submission).

Conditions:
Ehlers-Danlos syndrome, spondylodysplastic type, 3. Also called: Ehlers-Danlos syndrome, spondylocheirodysplastic type. Identifiers: Orphanet 157965, MedGen C2676510, MONDO:0012873, OMIM 612350.

Submission:

Labcorp Genetics (formerly Invitae), Labcorp
Classification: Uncertain significance for Ehlers-Danlos syndrome, spondylodysplastic type, 3. Last evaluated: 2018-02-07. Review status: criteria provided, single submitter. Criteria: Invitae Variant Classification Sherloc (09022015). Collection method: clinical testing. Allele origin: germline.
Comment: This sequence change replaces glycine with alanine at codon 62 of the SLC39A13 protein (p.Gly62Ala). The glycine residue is weakly conserved and there is a small physicochemical difference between glycine and alanine. This variant is not present in population databases (ExAC no frequency). This variant has not been reported in the literature in individuals with SLC39A13-related disease. Algorithms developed to predict the effect of missense changes on protein structure and function output the following: SIFT: "Tolerated"; PolyPhen-2: "Benign"; Align-GVGD: "Class C0". The alanine amino acid residue is found in multiple mammalian species, suggesting that this missense change does not adversely affect protein function. These predictions have not been confirmed by published functional studies and their clinical significance is uncertain. In summary, the available evidence is currently insufficient to determine the role of this variant in disease. Therefore, it has been classified as a Variant of Uncertain Significance.

NM_001128225.3(SLC39A13):c.185G>C (p.Gly62Ala)

Gene: SLC39A13 (solute carrier family 39 member 13; plus strand). Cytogenetic location: 11p11.2.
Variant type: single nucleotide variant.
Coding change: c.185G>C on transcript NM_001128225.3 (MANE Select); coding-DNA position 185, G replaced by C.
Protein change: p.Gly62Ala; replaces glycine 62 with alanine.
Molecular consequence: missense variant. On other transcripts: non-coding transcript variant (1).
Genome position (GRCh38, 1-based): chr11:47,410,279, G>C. VCF-style: chr11-47410279-G-C. GRCh37 (hg19) VCF-style: chr11-47431830-G-C.
Other names: c.185G>C, p.Gly62Ala (NM_001330245.2, NM_152264.5); short protein forms G62A.
Identifiers: ClinVar variation 571538 (VCV000571538.9), dbSNP rs1565660438, ClinGen allele CA380309296.
Genomic context (GRCh38, chr11:47,410,279, plus strand): 5'-CTGCGACGGCCTGTCGCCTGGACAACAAGGAAAGCGAGTCCTGGGGGGCTCTGCTGAGCG[G>C]AGAGCGGCTGGACACCTGGATCTGCTCCCTCCTGGGTTCCCTCATGGTGGGGCTCAGTGG-3'
Protein context (NP_001121697.2, residues 52-72): ESESWGALLS[Gly62Ala]ERLDTWICSL